The following is an entry in ClinVar:

ClinVar aggregate classification (germline): Likely benign. Review status: criteria provided, multiple submitters, no conflicts (2 of 4 stars). 4 submissions from 4 submitters: Likely benign (4). Last evaluated 2026-01-27.

Allele frequency attached by ClinVar (database versions not stated): gnomAD 0.00048; TOPMed 0.00057; gnomAD exomes 0.00059 and 0.00082; 1000 Genomes Project 30x 0.00078; 1000 Genomes Project 0.00080; ExAC 0.00086; ESP Exome Variant Server 0.00108.
gnomAD v4.1: 971 of 1,611,314 alleles (0.06%); highest among the groups gnomAD compares: Middle Eastern, 1%; 1 homozygote.

Submissions (4):

Labcorp Genetics (formerly Invitae), Labcorp
Classification: Likely benign. Last evaluated: 2026-01-27. Review status: criteria provided, single submitter. Criteria: Invitae Variant Classification Sherloc (09022015). Collection method: clinical testing. Allele origin: germline.

CeGaT Center for Human Genetics Tuebingen
Classification: Likely benign. Last evaluated: 2025-10-01. Review status: criteria provided, single submitter. Criteria: CeGaT Center For Human Genetics Tuebingen Variant Classification Criteria Version 2. Collection method: clinical testing. Allele origin: germline. Affected: yes. Observed: 8 variant alleles.
Comment: UBR1: BP4, BP7

Blueprint Genetics
Classification: Likely benign. Last evaluated: 2024-11-25. Review status: criteria provided, single submitter. Criteria: ACMG Guidelines, 2015. Collection method: clinical testing. Allele origin: germline.

Breakthrough Genomics
Classification: Likely benign. Review status: criteria provided, single submitter. Criteria: ACMG Guidelines, 2015. Collection method: not provided. Allele origin: germline. Inheritance: Autosomal recessive inheritance. Affected: yes.

NM_174916.3(UBR1):c.2823T>C (p.Phe941=)

Gene: UBR1 (ubiquitin protein ligase E3 component n-recognin 1; minus strand). Cytogenetic location: 15q15.2.
Variant type: single nucleotide variant.
Coding change: c.2823T>C on transcript NM_174916.3 (MANE Select); coding-DNA position 2823, T replaced by C.
Protein change: p.Phe941=; no amino-acid change (phenylalanine 941 retained).
Molecular consequence: synonymous variant.
Genome position (GRCh38, 1-based): chr15:43,022,718, A>G on the plus strand (T>C on the coding strand, the complement: UBR1 is on the minus strand). VCF-style: chr15-43022718-A-G. GRCh37 (hg19) VCF-style: chr15-43314916-A-G.
Identifiers: ClinVar variation 723185 (VCV000723185.34), dbSNP rs149061186, ClinGen allele CA7518359.
Genomic context (GRCh38, chr15:43,022,718, plus strand): 5'-GACTTTCAATGACAAATGTGTTGAAGAGTGATACTCAAACATACTTGAAGCCTTATGATA[A>G]AAGTCAAATGTTACTTCTTCTTCAGGAGCTTTTTGAAGCTGTTGCTTCTCTTCTAGTAAA-3'
Protein context (NP_777576.1, residues 931-951): KAPEEEVTFD[Phe941=]YHKASRLGSS